The following is an entry in ClinVar:

NM_005343.4(HRAS):c.35G>C (p.Gly12Ala)

Genes: HRAS (HRas proto-oncogene, GTPase; minus strand), LRRC56 (leucine rich repeat containing 56; plus strand). Cytogenetic location: 11p15.5.
Variant type: single nucleotide variant.
Coding change: c.35G>C on transcript NM_005343.4 (MANE Select); coding-DNA position 35, G replaced by C.
Protein change: p.Gly12Ala; replaces glycine 12 with alanine.
Molecular consequence: missense variant. On other transcripts: 5 prime UTR variant (1).
Genome position (GRCh38, 1-based): chr11:534,288, C>G on the plus strand (G>C on the coding strand, the complement: HRAS is on the minus strand). VCF-style: chr11-534288-C-G. GRCh37 (hg19) VCF-style: chr11-534288-C-G.
Other names: p.G12A:GGC>GCC; c.35G>C, p.Gly12Ala (NM_001130442.3, NM_176795.5); c.-285G>C (NM_001318054.2); c.35G>C (NM_005343.3); short protein forms G12A.
Identifiers: ClinVar variation 12603 (VCV000012603.26), dbSNP rs104894230, ClinGen allele CA256486.

ClinVar aggregate classification (germline): Pathogenic. Review status: criteria provided, multiple submitters, no conflicts (2 of 4 stars). 12 submissions from 12 submitters: Pathogenic (10). 2 of the submissions do not count toward it. Last evaluated 2025-12-15.

Conditions:
HRAS-related disorders.
HRAS-related disorder. Also called: HRAS-related condition.
Noonan syndrome and Noonan-related syndrome. Identifiers: Orphanet 98733, MedGen C5681679, MONDO:0020297.
Epidermal nevus. Also called: Nevus, epidermal, somatic; NEVUS, KERATINOCYTIC, NONEPIDERMOLYTIC. Identifiers: Orphanet 79414, MedGen C0334082, MONDO:0008093, OMIM 162900, HP:0010816.
Large congenital melanocytic nevus (CMNS). Also called: MELANOCYTIC NEVUS SYNDROME, CONGENITAL, SOMATIC; PIGMENTED MOLES; Congenital giant melanocytic nevus; Giant hairy nevus; Bathing trunk nevus; Congenital giant pigmented nevus. Identifiers: Orphanet 626, MedGen C1842036, MONDO:0044792, OMIM 137550, HP:0005600.
Linear nevus sebaceous syndrome. Also called: SCHIMMELPENNING-FEUERSTEIN-MIMS SYNDROME, SOMATIC MOSAIC; Nevus, Sebaceous of Jadassohn; Linear sebaceous nevus sequence; SFM SYNDROME; Sebaceous nevus syndrome and hemimegalencephaly; Linear nevus sebaceous. Identifiers: Orphanet 2612, MedGen C4552097, MONDO:0008097, OMIM 163200, HP:0010817.
Thyroid cancer, nonmedullary, 2 (NMTC2). Also called: Thyroid carcinoma, follicular, somatic; THYROID CANCER, NONMEDULLARY, 2, SUSCEPTIBILITY TO; THYROID CARCINOMA, FOLLICULAR. Identifiers: MedGen C4225426, MONDO:0008566, OMIM 188470.
Costello syndrome (CSTLO). Also called: HRAS-Related Costello Syndrome; FCS SYNDROME; FACIOCUTANEOSKELETAL SYNDROME. Identifiers: Orphanet 3071, MedGen C0587248, MONDO:0009026, OMIM 218040.
Malignant tumor of urinary bladder. Also called: Urinary Bladder Neoplasms; Bladder cancer; Urinary bladder cancer. Identifiers: MedGen C0005684, MONDO:0001187, OMIM 109800.
Inborn genetic diseases. Identifiers: MedGen C0950123, MeSH D030342.
Rhabdomyosarcoma. Also called: Rhabdomyosarcoma (disease). Identifiers: Orphanet 780, MedGen C0035412, MeSH D012208, MONDO:0005212, HP:0002859.

Submissions (12):

PreventionGenetics, part of Exact Sciences
Classification: Pathogenic for HRAS-related condition. Last evaluated: 2025-12-15. Review status: criteria provided, single submitter. Criteria: ACMG Guidelines, 2015. Collection method: clinical testing. Allele origin: germline.
Comment: The HRAS c.35G>C variant is predicted to result in the amino acid substitution p.Gly12Ala. This variant has been reported in several individuals with Costello syndrome, and many instances of de novo occurrence have been documented (see for example: Aoki et al. 2005. PubMed ID: 16170316; Niihori et al. 2011. PubMed ID: 21850009). Functional studies have demonstrated that this variant causes activation of RAS signaling, consistent with the Costello disease mechanism (Niihori et al 2011. PubMed ID: 21850009). This variant is not observed in a large population database, indicating it is rare. Multiple missense variants affecting HRAS residue 12 and 13 have been shown to be pathogenic (see for example: Aoki et al. 2005. PubMed ID: 16170316 and Niihori et al. 2011. PubMed ID: 21850009). We classify this variant as pathogenic.

GeneDx
Classification: Pathogenic. Last evaluated: 2024-09-24. Review status: criteria provided, single submitter. Criteria: GeneDx Variant Classification Process June 2021. Collection method: clinical testing. Allele origin: germline. Affected: yes.
Comment: Published functional studies demonstrate a damaging effect caused by increased phosphorylation of ERK, suggesting an activation of the RAS/MAPK pathway (Denayer et al., 2008; Niihori et al., 2011); In silico analysis, which includes protein predictors and evolutionary conservation, supports a deleterious effect; Missense variants in this gene are a common cause of disease and they are underrepresented in the general population; Not observed at significant frequency in large population cohorts (gnomAD); This variant is associated with the following publications: (PMID: 17979197, 28027064, 17601930, 30055033, 34845155, 24224811, 21686750, 22317973, 23093928, 16170316, 19035362, 24803665, 27589201, 24169525, 16835863, 30762279, 30885829, 31394527, 31560489, 33482860, 33224014, 37488489, 33057194, 35982159, 34643321, 21850009)

Clinical Genetics and Genomics, Karolinska University Hospital
Classification: Pathogenic for Costello syndrome. Last evaluated: 2024-07-22. Review status: criteria provided, single submitter. Criteria: ACMG Guidelines, 2015. Collection method: clinical testing. Allele origin: de novo. Affected: yes.
Comment: It disrupts the p.Gly12 amino acid residue in HRAS. Other variants that disrupt this residue have been determined to be pathogenic (PMID: 16170316, 20979192, 21834037, 21850009, 22317973, 23751039). Experimental studies have shown that this missense change affects HRAS function (PMID: 17979197, 21850009, 24224811). In silico prediction indicates that this missense variant is expected to disrupt HRAS function. This missense change has been observed in individuals with Costello syndrome (PMID: 16170316, 16372351, 16443854, 16835863, 17601930, 18042262, 21850009, 22420426, 28027064). For these reasons, this variant has been classified as Pathogenic.

Blueprint Genetics
Classification: Pathogenic for HRAS-related disorders. Last evaluated: 2024-04-15. Review status: criteria provided, single submitter. Criteria: ACMG Guidelines, 2015. Collection method: clinical testing. Allele origin: germline. Affected: yes. Observed: 2 variant alleles.

Labcorp Genetics (formerly Invitae), Labcorp
Classification: Pathogenic for Costello syndrome. Last evaluated: 2023-04-21. Review status: criteria provided, single submitter. Criteria: Invitae Variant Classification Sherloc (09022015). Collection method: clinical testing. Allele origin: germline.
Comment: For these reasons, this variant has been classified as Pathogenic. This variant disrupts the p.Gly12 amino acid residue in HRAS. Other variant(s) that disrupt this residue have been determined to be pathogenic (PMID: 16170316, 20979192, 21834037, 21850009, 22317973, 23751039). This suggests that this residue is clinically significant, and that variants that disrupt this residue are likely to be disease-causing. Experimental studies have shown that this missense change affects HRAS function (PMID: 17979197, 21850009, 24224811). Advanced modeling performed at Invitae incorporating data from internal and/or published experimental studies (Invitae) indicates that this missense variant is expected to disrupt HRAS function. ClinVar contains an entry for this variant (Variation ID: 12603). This missense change has been observed in individual(s) with Costello syndrome (PMID: 16170316, 16372351, 16443854, 16835863, 17601930, 18042262, 21850009, 22420426, 28027064). In at least one individual the variant was observed to be de novo. This variant is not present in population databases (gnomAD no frequency). This sequence change replaces glycine, which is neutral and non-polar, with alanine, which is neutral and non-polar, at codon 12 of the HRAS protein (p.Gly12Ala).

Genome Diagnostics Laboratory, The Hospital for Sick Children
Classification: Pathogenic for Noonan syndrome and Noonan-related syndrome. Last evaluated: 2021-04-06. Review status: criteria provided, single submitter. Criteria: ACMG Guidelines, 2015. Collection method: clinical testing. Allele origin: germline. Affected: yes.

Fulgent Genetics
Classification: Pathogenic for Malignant tumor of urinary bladder; Large congenital melanocytic nevus; Epidermal nevus; Linear nevus sebaceous syndrome; Thyroid cancer, nonmedullary, 2; Costello syndrome. Last evaluated: 2018-10-31. Review status: criteria provided, single submitter. Criteria: ACMG Guidelines, 2015. Collection method: clinical testing. Allele origin: unknown.

Women's Health and Genetics/Laboratory Corporation of America, LabCorp
Classification: Pathogenic for Costello syndrome. Last evaluated: 2017-07-17. Review status: criteria provided, single submitter. Criteria: LabCorp Variant Classification Summary - May 2015. Collection method: clinical testing. Allele origin: germline.
Comment: Variant summary: The HRAS c.35G>C (p.Gly12Ala) variant involves the alteration of a conserved nucleotide. 3/3 in silico tools predict a damaging outcome for this variant (SNPsandGO not captured due to low reliability index). Functional studies showed that this variant increased RAS pathway activation in NIH 3T3 cells (Niihori_JHG_2011) and increased proliferation in Ba/F3 cells (Denayer_HM_2008). The variant of interest has not been found in a large, broad control population, ExAC in 120014 control chromosomes. This variant was reported in multiple Costello syndrome patients, including de novo occurrences (Aoki_NatGen_2005, Robbins_AJMG_2016, Niihori_JHG_2011). In addition, multiple clinical diagnostic laboratories/reputable databases classified this variant as pathogenic. Taken together, this variant is classified as pathogenic.

Ambry Genetics
Classification: Pathogenic for Inborn genetic diseases. Last evaluated: 2016-03-03. Review status: criteria provided, single submitter. Criteria: Ambry exome assertion method (8-5-2015). Collection method: clinical testing. Allele origin: germline. Affected: yes. Observed: 1 variant allele.

Molecular Diagnostics Lab, Nemours Children's Health, Delaware
Classification: Pathogenic for none provided. Last evaluated: 2014-06-04. Review status: criteria provided, single submitter. Criteria: ACMG Guidelines, 2015. Collection method: clinical testing. Allele origin: unknown. Affected: yes. Observed: 1 variant allele.

Human Genome Sequencing Center Clinical Lab, Baylor College of Medicine
Classification: Pathogenic for Rhabdomyosarcoma. Last evaluated: 2020-09-01. Review status: no assertion criteria provided. Collection method: provider interpretation. Allele origin: germline. Affected: yes. Not counted in ClinVar's aggregate classification.

OMIM
Classification: Pathogenic for COSTELLO SYNDROME. Last evaluated: 2006-08-01. Review status: no assertion criteria provided. Collection method: literature only. Allele origin: germline. Not counted in ClinVar's aggregate classification.

Literature cited by the submitters: PubMed 16170316 (cited by 4 submitters); PubMed 20979192 (cited by Labcorp Genetics (formerly Invitae), Labcorp); PubMed 21834037 (cited by Labcorp Genetics (formerly Invitae), Labcorp); PubMed 21850009 (cited by 3 submitters); PubMed 22317973 (cited by Labcorp Genetics (formerly Invitae), Labcorp and Ambry Genetics); PubMed 23751039 (cited by Labcorp Genetics (formerly Invitae), Labcorp); PubMed 17979197 (cited by Labcorp Genetics (formerly Invitae), Labcorp and Women's Health and Genetics/Laboratory Corporation of America, LabCorp); PubMed 24224811 (cited by 3 submitters); PubMed 16372351 (cited by Labcorp Genetics (formerly Invitae), Labcorp); PubMed 16443854 (cited by Labcorp Genetics (formerly Invitae), Labcorp); PubMed 16835863 (cited by Labcorp Genetics (formerly Invitae), Labcorp and OMIM); PubMed 17601930 (cited by Labcorp Genetics (formerly Invitae), Labcorp); PubMed 18042262 (cited by Labcorp Genetics (formerly Invitae), Labcorp); PubMed 22420426 (cited by Labcorp Genetics (formerly Invitae), Labcorp); PubMed 28027064 (cited by Labcorp Genetics (formerly Invitae), Labcorp); PubMed 27195699 (cited by Women's Health and Genetics/Laboratory Corporation of America, LabCorp); PubMed 27589201 (cited by Women's Health and Genetics/Laboratory Corporation of America, LabCorp); PubMed 24169525 (cited by Women's Health and Genetics/Laboratory Corporation of America, LabCorp); PubMed 23093928 (cited by Ambry Genetics); PubMed 24803665 (cited by Ambry Genetics); PubMed 21686750 (cited by Ambry Genetics).